The following is an entry in ClinVar:

NM_001903.5(CTNNA1):c.1017T>C (p.Ala339=)

Gene: CTNNA1 (catenin alpha 1; plus strand). Cytogenetic location: 5q31.2.
Variant type: single nucleotide variant.
Coding change: c.1017T>C on transcript NM_001903.5 (MANE Select); coding-DNA position 1017, T replaced by C.
Protein change: p.Ala339=; no amino-acid change (alanine 339 retained).
Molecular consequence: synonymous variant.
Genome position (GRCh38, 1-based): chr5:138,827,673, T>C. VCF-style: chr5-138827673-T-C. GRCh37 (hg19) VCF-style: chr5-138163362-T-C.
Other names: c.1017T>C, p.Ala339= (NM_001290307.3, NM_001323982.2, NM_001323983.1 and 3 more transcripts); c.708T>C, p.Ala236= (NM_001290309.3); c.648T>C, p.Ala216= (NM_001290310.3).
Identifiers: ClinVar variation 772284 (VCV000772284.13), dbSNP rs1581178613, ClinGen allele CA446595519.

ClinVar aggregate classification (germline): Benign/Likely benign. Review status: criteria provided, multiple submitters, no conflicts (2 of 4 stars). 4 submissions from 4 submitters: Benign (1); Likely benign (3). Last evaluated 2025-12-20.

Conditions:
Hereditary diffuse gastric adenocarcinoma (HDGC). Also called: DIFFUSE GASTRIC AND LOBULAR BREAST CANCER SYNDROME. Identifiers: Orphanet 26106, MedGen C1708349, MONDO:0007648, OMIM 137215.
Hereditary cancer-predisposing syndrome. Also called: Neoplastic Syndromes, Hereditary; Hereditary neoplastic syndrome; Tumor predisposition; Hereditary Cancer Syndrome. Identifiers: Orphanet 140162, MedGen C0027672, MeSH D009386, MONDO:0015356.

Allele frequency attached by ClinVar (database versions not stated): TOPMed below 0.00001; gnomAD exomes 0.00001.
gnomAD v4.1: 8 of 1,614,232 alleles (0.0005%); highest among the groups gnomAD compares: Non-Finnish European, 0.00068%; no homozygotes.

Submissions (4):

Labcorp Genetics (formerly Invitae), Labcorp
Classification: Likely benign. Last evaluated: 2025-12-20. Review status: criteria provided, single submitter. Criteria: Invitae Variant Classification Sherloc (09022015). Collection method: clinical testing. Allele origin: germline.

Center for Genomic Medicine, Rigshospitalet, Copenhagen University Hospital
Classification: Likely benign. Last evaluated: 2025-03-04. Review status: criteria provided, single submitter. Criteria: ACMG Guidelines, 2015. Collection method: clinical testing. Allele origin: germline.

Myriad Genetics, Inc.
Classification: Benign for Hereditary diffuse gastric adenocarcinoma. Last evaluated: 2024-10-10. Review status: criteria provided, single submitter. Criteria: Myriad Autosomal Dominant, Autosomal Recessive and X-Linked Classification Criteria (2023). Collection method: clinical testing. Allele origin: unknown.
Comment: This variant is considered benign. This variant is a silent/synonymous amino acid change and it is not expected to impact splicing.

Ambry Genetics
Classification: Likely benign for Hereditary cancer-predisposing syndrome. Last evaluated: 2021-03-30. Review status: criteria provided, single submitter. Criteria: Ambry Variant Classification Scheme 2023. Collection method: clinical testing. Allele origin: germline.